The following is an entry in ClinVar:

NC_000013.10:g.(?_32899736)_(32913272_?)dup

Gene: BRCA2 (BRCA2 DNA repair associated; plus strand). Cytogenetic location: 13q13.1.
Variant type: Duplication.
Identifiers: ClinVar variation 462160 (VCV000462160.9).

ClinVar aggregate classification (germline): Pathogenic (1 of 4 stars; one submission).

Conditions:
Hereditary breast ovarian cancer syndrome. Also called: Hereditary breast and ovarian cancer syndrome (HBOC); Hereditary breast and ovarian cancer syndrome; Breast and ovarian cancer; Hereditary breast and/or ovarian cancer syndrome; Hereditary breast and ovarian cancer; BRCA1- and BRCA2-Associated Hereditary Breast and Ovarian Cancer. Identifiers: Orphanet 145, MedGen C0677776, MeSH D061325, MONDO:0003582. Disease mechanism: loss of function.

Submission:

Labcorp Genetics (formerly Invitae), Labcorp
Classification: Pathogenic for Hereditary breast ovarian cancer syndrome. Last evaluated: 2024-01-24. Review status: criteria provided, single submitter. Criteria: Invitae Variant Classification Sherloc (09022015). Collection method: clinical testing. Allele origin: germline.
Comment: This variant is a tandem duplication of the genomic region encompassing exons 5-10 and part of exon 11 (c.425+415_4780dup) of the BRCA2 gene, with a 11 bp insertion between exon 11 and intron 4 (GATCGCAGTGA). This event is expected to create a premature translational stop signal and to result in an absent or disrupted protein product. Similar duplications have been observed in individuals affected with breast and/or ovarian cancer (PMID: 24825132, 26687385, Invitae). For these reasons, this variant has been classified as Pathogenic.

Literature cited by the submitters: PubMed 24825132; PubMed 26687385.